The following is an entry in ClinVar:

ClinVar aggregate classification (germline): Likely benign (3 of 4 stars; one submission).

Conditions:
Breast-ovarian cancer, familial, susceptibility to, 2 (BROVCA2). Also called: BRCA2 Hereditary Breast and Ovarian Cancer. Identifiers: Orphanet 145, MedGen C2675520, MONDO:0012933, OMIM 612555. Disease mechanism: loss of function.

Submission:

Evidence-based Network for the Interpretation of Germline Mutant Alleles (ENIGMA)
Classification: Likely benign for Breast-ovarian cancer, familial, susceptibility to, 2. Last evaluated: 2017-06-29. Review status: reviewed by expert panel. Criteria: ENIGMA BRCA1/2 Classification Criteria (2017-06-29). Collection method: curation. Allele origin: germline.
Comment: Synonymous substitution variant, with low bioinformatic likelihood to result in a splicing aberration (Splicing prior probability 0.02).

NM_000059.4(BRCA2):c.5829T>A (p.Ser1943=)

Gene: BRCA2 (BRCA2 DNA repair associated; plus strand). Cytogenetic location: 13q13.1.
Variant type: single nucleotide variant.
Coding change: c.5829T>A on transcript NM_000059.4 (MANE Select); coding-DNA position 5829, T replaced by A.
Protein change: p.Ser1943=; no amino-acid change (serine 1943 retained).
Molecular consequence: synonymous variant.
Genome position (GRCh38, 1-based): chr13:32,340,184, T>A. VCF-style: chr13-32340184-T-A. GRCh37 (hg19) VCF-style: chr13-32914321-T-A.
Identifiers: ClinVar variation 427375 (VCV000427375.3), dbSNP rs1131692110, ClinGen allele CA483438989.